The following is an entry in ClinVar:

NM_000368.5(TSC1):c.8A>G (p.Gln3Arg)

Gene: TSC1 (TSC complex subunit 1; minus strand). Cytogenetic location: 9q34.13.
Variant type: single nucleotide variant.
Coding change: c.8A>G on transcript NM_000368.5 (MANE Select); coding-DNA position 8, A replaced by G.
Protein change: p.Gln3Arg; replaces glutamine 3 with arginine.
Molecular consequence: missense variant. On other transcripts: 5 prime UTR variant (1).
Genome position (GRCh38, 1-based): chr9:132,928,865, T>C on the plus strand (A>G on the coding strand, the complement: TSC1 is on the minus strand). VCF-style: chr9-132928865-T-C. GRCh37 (hg19) VCF-style: chr9-135804252-T-C.
Other names: c.8A>G, p.Gln3Arg (NM_001162426.2, NM_001162427.2, NM_001406592.1 and 21 more transcripts); c.-252A>G (NM_001362177.2, NM_001406617.1, NM_001406619.1 and 3 more transcripts); c.-344A>G (NM_001406614.1); c.-481A>G (NM_001406615.1, NM_001406623.1); c.-448A>G (NM_001406616.1, NM_001406624.1); c.-870A>G (NM_001406626.1, NM_001406627.1, NM_001406628.1); c.-1012A>G (NM_001406629.1); c.-1086A>G (NM_001406630.1); short protein forms Q3R.
Identifiers: ClinVar variation 1765415 (VCV001765415.3), dbSNP rs2539146983, ClinGen allele CA375375461.

ClinVar aggregate classification (germline): Uncertain significance (1 of 4 stars; one submission).

Conditions:
Hereditary cancer-predisposing syndrome. Also called: Hereditary Cancer Syndrome; Hereditary neoplastic syndrome; Neoplastic Syndromes, Hereditary; Tumor predisposition. Identifiers: Orphanet 140162, MedGen C0027672, MeSH D009386, MONDO:0015356.

Submission:

Ambry Genetics
Classification: Uncertain significance for Hereditary cancer-predisposing syndrome. Last evaluated: 2026-08-19. Review status: criteria provided, single submitter. Criteria: Ambry Variant Classification Scheme 2023. Collection method: clinical testing. Allele origin: germline.
Comment: The p.Q3R variant (also known as c.8A>G), located in coding exon 1 of the TSC1 gene, results from an A to G substitution at nucleotide position 8. The glutamine at codon 3 is replaced by arginine, an amino acid with highly similar properties. This amino acid position is highly conserved in available vertebrate species. In addition, this alteration is predicted to be deleterious by in silico analysis. Based on the available evidence, the clinical significance of this variant remains unclear.